The following is an entry in ClinVar:

ClinVar aggregate classification (germline): Uncertain significance (1 of 4 stars; one submission).

Conditions:
Hypertrophic cardiomyopathy 19. Also called: Familial hypertrophic cardiomyopathy 19. Identifiers: MedGen CN077603, MONDO:0013476.

Submission:

Labcorp Genetics (formerly Invitae), Labcorp
Classification: Uncertain significance for Hypertrophic cardiomyopathy 19. Last evaluated: 2023-12-20. Review status: criteria provided, single submitter. Criteria: Invitae Variant Classification Sherloc (09022015). Collection method: clinical testing. Allele origin: germline.
Comment: This variant is a gross deletion of the genomic region encompassing exon(s) 3-4 of the CALR3 gene. This deletion is out-of-frame, and is expected to create a premature translational stop signal and result in an absent or disrupted protein product. However, the current clinical and genetic evidence is not sufficient to establish whether loss-of-function variants in CALR3 cause disease. This variant has not been reported in the literature in individuals affected with CALR3-related conditions. In summary, the available evidence is currently insufficient to determine the role of this variant in disease. Therefore, it has been classified as a Variant of Uncertain Significance.

NC_000019.9:g.(?_16595954)_(16601401_?)dup

Genes: CALR3 (calreticulin 3; minus strand), LOC125371488 (Sharpr-MPRA regulatory region 3003; plus strand). Cytogenetic location: 19p13.11.
Variant type: Duplication.
Identifiers: ClinVar variation 471785 (VCV000471785.8).